The following is an entry in ClinVar:

ClinVar aggregate classification (germline): Uncertain significance (1 of 4 stars; one submission).

Conditions:
Primary ciliary dyskinesia. Also called: Ciliary dyskinesia. Identifiers: Orphanet 244, MedGen C0008780, MONDO:0016575, HP:0012265.

Submission:

Labcorp Genetics (formerly Invitae), Labcorp
Classification: Uncertain significance for Primary ciliary dyskinesia. Last evaluated: 2021-08-27. Review status: criteria provided, single submitter. Criteria: Invitae Variant Classification Sherloc (09022015). Collection method: clinical testing. Allele origin: germline.
Comment: This sequence change replaces alanine with glycine at codon 705 of the DNAAF1 protein (p.Ala705Gly). The alanine residue is weakly conserved and there is a small physicochemical difference between alanine and glycine. This variant is not present in population databases (ExAC no frequency). This variant has not been reported in the literature in individuals affected with DNAAF1-related conditions. Algorithms developed to predict the effect of missense changes on protein structure and function are either unavailable or do not agree on the potential impact of this missense change (SIFT: "Tolerated"; PolyPhen-2: "Possibly Damaging"; Align-GVGD: "Class C0"). In summary, the available evidence is currently insufficient to determine the role of this variant in disease. Therefore, it has been classified as a Variant of Uncertain Significance.

NM_178452.6(DNAAF1):c.2114C>G (p.Ala705Gly)

Gene: DNAAF1 (dynein axonemal assembly factor 1; plus strand). Cytogenetic location: 16q24.1.
Variant type: single nucleotide variant.
Coding change: c.2114C>G on transcript NM_178452.6 (MANE Select); coding-DNA position 2114, C replaced by G.
Protein change: p.Ala705Gly; replaces alanine 705 with glycine.
Molecular consequence: missense variant.
Genome position (GRCh38, 1-based): chr16:84,177,777, C>G. VCF-style: chr16-84177777-C-G. GRCh37 (hg19) VCF-style: chr16-84211383-C-G.
Other names: c.1406C>G, p.Ala469Gly (NM_001318756.1); short protein forms A705G, A469G.
Identifiers: ClinVar variation 577054 (VCV000577054.6), dbSNP rs1567574383, ClinGen allele CA396951985.
Genomic context (GRCh38, chr16:84,177,777, plus strand): 5'-TTCCTTCCACAGTGCCGACTGAGAGCGCCGCCACACCCCCAGAGACGTGTGTCGGAGTTG[C>G]CCAGCCCAGCCAAGCTCTGCCCACGTGGGACCTCACTGCATTCCCAGCACCGAAAGCATC-3'
Protein context (NP_848547.4, residues 695-715): ATPPETCVGV[Ala705Gly]QPSQALPTWD